The following is an entry in ClinVar:

NM_015178.3(RHOBTB2):c.838G>T (p.Ala280Ser)

Gene: RHOBTB2 (Rho related BTB domain containing 2; plus strand). Cytogenetic location: 8p21.3.
Variant type: single nucleotide variant.
Coding change: c.838G>T on transcript NM_015178.3 (MANE Select); coding-DNA position 838, G replaced by T.
Protein change: p.Ala280Ser; replaces alanine 280 with serine.
Molecular consequence: missense variant.
Genome position (GRCh38, 1-based): chr8:23,007,083, G>T. VCF-style: chr8-23007083-G-T. GRCh37 (hg19) VCF-style: chr8-22864596-G-T.
Other names: c.904G>T, p.Ala302Ser (NM_001160036.2); c.859G>T, p.Ala287Ser (NM_001160037.2); c.838G>T, p.Ala280Ser (NM_001374791.1); short protein forms A287S, A280S, A302S.
Identifiers: ClinVar variation 3706550 (VCV003706550.2).
Genomic context (GRCh38, chr8:23,007,083, plus strand): 5'-CTGGAGGACCCGCTCTGCGCGGACGTCATCCTGGTGCTGCAGGAGCGGGTGCGCATCTTT[G>T]CCCACAAGATCTACCTCTCCACCTCTTCCTCCAAGTTCTATGACCTGTTCCTCATGGACC-3'
Protein context (NP_055993.2, residues 270-290): LVLQERVRIF[Ala280Ser]HKIYLSTSSS

ClinVar aggregate classification (germline): Uncertain significance (1 of 4 stars; one submission).

Submission:

Labcorp Genetics (formerly Invitae), Labcorp
Classification: Uncertain significance. Last evaluated: 2024-12-19. Review status: criteria provided, single submitter. Criteria: Invitae Variant Classification Sherloc (09022015). Collection method: clinical testing. Allele origin: germline.
Comment: This sequence change replaces alanine, which is neutral and non-polar, with serine, which is neutral and polar, at codon 302 of the RHOBTB2 protein (p.Ala302Ser). This variant is not present in population databases (gnomAD no frequency). This variant has not been reported in the literature in individuals affected with RHOBTB2-related conditions. Invitae Evidence Modeling of protein sequence and biophysical properties (such as structural, functional, and spatial information, amino acid conservation, physicochemical variation, residue mobility, and thermodynamic stability) indicates that this missense variant is not expected to disrupt RHOBTB2 protein function with a negative predictive value of 80%. In summary, the available evidence is currently insufficient to determine the role of this variant in disease. Therefore, it has been classified as a Variant of Uncertain Significance.